The following is an entry in ClinVar:

NM_000092.5(COL4A4):c.4395dup (p.Phe1466fs)

Gene: COL4A4 (collagen type IV alpha 4 chain; minus strand). Cytogenetic location: 2q36.3.
Variant type: Duplication.
Coding change: c.4395dup on transcript NM_000092.5 (MANE Select); coding-DNA position 4395, one base duplicated (C; older notation c.4395dupC).
Protein change: p.Phe1466fs; shifts the reading frame from phenylalanine 1466.
Molecular consequence: frameshift variant.
Genome position (GRCh38, 1-based): chr2:227,010,440, G duplicated on the plus strand (C on the coding strand, the reverse complement: COL4A4 is on the minus strand). VCF-style (leftmost placement, unchanged base first): chr2-227010439-A-AG. GRCh37 (hg19) VCF-style: chr2-227875155-A-AG.
Other names: short protein forms F1466fs.
Identifiers: ClinVar variation 3066378 (VCV003066378.1), dbSNP rs2472679338, ClinGen allele CA2740098047.
Genomic context (GRCh38, chr2:227,010,439, plus strand): 5'-TGGGCATGCCCAGGGGGCAGGTGGGCTCCTGGTCCGTCTGACTGTGGAGAACCAGGAGGA[A>AG]GCCACCGAGGTATCCAGGGCCAAACCCTTTGGGCCCAGGATCCCCAATGGGACCAGGAGG-3'

ClinVar aggregate classification (germline): Pathogenic (1 of 4 stars; one submission).

Conditions:
Autosomal recessive Alport syndrome (ATS2). Also called: ALPORT SYNDROME 2, AUTOSOMAL RECESSIVE; COL4A4 Alport Syndrome and Thin Basement Membrane Nephropathy; COL4A3-Related Nephropathy; Alport syndrome type 2. Identifiers: Orphanet 63, Orphanet 88919, MedGen C4746745, MONDO:0008762, OMIM 203780.

Submission:

MVZ Medizinische Genetik Mainz
Classification: Pathogenic for Autosomal recessive Alport syndrome. Last evaluated: 2022-03-01. Review status: criteria provided, single submitter. Criteria: UK Practice Guidelines For Variant Classification V4 01 2020. Collection method: clinical testing. Allele origin: germline. Inheritance: Autosomal dominant inheritance. Affected: yes. Observed: 1 variant allele.
Comment: ACMG Criteria: PVS1, PM2_SUP, PP4 (ACMG Version 3)